The following is an entry in ClinVar:

NM_004006.3(DMD):c.1979del (p.Lys660fs)

Gene: DMD (dystrophin; minus strand). Cytogenetic location: Xp21.1.
Variant type: Deletion.
Coding change: c.1979del on transcript NM_004006.3 (MANE Select); coding-DNA position 1979, one base deleted (A; older notation c.1979delA).
Protein change: p.Lys660fs; shifts the reading frame from lysine 660.
Molecular consequence: frameshift variant.
Genome position (GRCh38, 1-based): chrX:32,565,715, T deleted on the plus strand (A on the coding strand, the reverse complement: DMD is on the minus strand); the first of 4 consecutive T bases (chrX:32,565,715-32,565,718); deleting any one gives the same sequence. VCF-style (leftmost placement, unchanged base first): chrX-32565714-CT-C. GRCh37 (hg19) VCF-style: chrX-32583831-CT-C.
Other names: c.1955del, p.Lys652fs (NM_000109.4); c.1967del, p.Lys656fs (NM_004009.3); c.1610del, p.Lys537fs (NM_004010.3); short protein forms K652fs, K660fs, K537fs, K656fs.
Identifiers: ClinVar variation 1452956 (VCV001452956.6), dbSNP rs1569213903, ClinGen allele CA2573158828.

ClinVar aggregate classification (germline): Pathogenic (1 of 4 stars; one submission).

Conditions:
Duchenne muscular dystrophy (DMD). Also called: Duchenne Muscular Dystrophy (DMD); MUSCULAR DYSTROPHY, PSEUDOHYPERTROPHIC PROGRESSIVE, DUCHENNE TYPE. Identifiers: Orphanet 98896, MedGen C0013264, MONDO:0010679, OMIM 310200.

Submission:

Labcorp Genetics (formerly Invitae), Labcorp
Classification: Pathogenic for Duchenne muscular dystrophy. Last evaluated: 2021-10-07. Review status: criteria provided, single submitter. Criteria: Invitae Variant Classification Sherloc (09022015). Collection method: clinical testing. Allele origin: germline.
Comment: For these reasons, this variant has been classified as Pathogenic. This sequence change creates a premature translational stop signal (p.Lys660Argfs*17) in the DMD gene. It is expected to result in an absent or disrupted protein product. Loss-of-function variants in DMD are known to be pathogenic (PMID: 16770791, 25007885). This variant is not present in population databases (ExAC no frequency). This premature translational stop signal has been observed in individuals with clinical features of Duchenne muscular dystrophy (PMID: 29973226; Invitae).

Literature cited by the submitters: PubMed 16770791; PubMed 25007885; PubMed 29973226.